The following is an entry in ClinVar:

ClinVar aggregate classification (germline): Uncertain significance (1 of 4 stars; one submission).

Conditions:
Leber congenital amaurosis 3 (LCA3). Also called: SPATA7-Related Retinitis Pigmentosa. Identifiers: MedGen C1858677, MONDO:0011415, OMIM 604232.

Allele frequency attached by ClinVar (database versions not stated): gnomAD exomes below 0.00001; gnomAD 0.00001; TOPMed 0.00001.
gnomAD v4.1: 4 of 1,610,988 alleles (0.00025%); highest among the groups gnomAD compares: African/African-American, 0.0013%; no homozygotes.

Submission:

Labcorp Genetics (formerly Invitae), Labcorp
Classification: Uncertain significance for Leber congenital amaurosis 3. Last evaluated: 2023-05-08. Review status: criteria provided, single submitter. Criteria: Invitae Variant Classification Sherloc (09022015). Collection method: clinical testing. Allele origin: germline.
Comment: In summary, the available evidence is currently insufficient to determine the role of this variant in disease. Therefore, it has been classified as a Variant of Uncertain Significance. Advanced modeling of protein sequence and biophysical properties (such as structural, functional, and spatial information, amino acid conservation, physicochemical variation, residue mobility, and thermodynamic stability) performed at Invitae indicates that this missense variant is expected to disrupt SPATA7 protein function. ClinVar contains an entry for this variant (Variation ID: 1010834). This variant has not been reported in the literature in individuals affected with SPATA7-related conditions. This variant is not present in population databases (gnomAD no frequency). This sequence change replaces glutamic acid, which is acidic and polar, with lysine, which is basic and polar, at codon 363 of the SPATA7 protein (p.Glu363Lys).

NM_018418.5(SPATA7):c.1087G>A (p.Glu363Lys)

Gene: SPATA7 (spermatogenesis associated 7; plus strand). Cytogenetic location: 14q31.3.
Variant type: single nucleotide variant.
Coding change: c.1087G>A on transcript NM_018418.5 (MANE Select); coding-DNA position 1087, G replaced by A.
Protein change: p.Glu363Lys; replaces glutamic acid 363 with lysine.
Molecular consequence: missense variant.
Genome position (GRCh38, 1-based): chr14:88,433,139, G>A. VCF-style: chr14-88433139-G-A. GRCh37 (hg19) VCF-style: chr14-88899483-G-A.
Other names: c.991G>A, p.Glu331Lys (NM_001040428.4); short protein forms E331K, E363K.
Identifiers: ClinVar variation 1010834 (VCV001010834.8), dbSNP rs1375333872, ClinGen allele CA390568509.